The following is an entry in ClinVar:

NM_001330360.2(POLA1):c.2137C>A (p.His713Asn)

Gene: POLA1 (DNA polymerase alpha 1, catalytic subunit; plus strand). Cytogenetic location: Xp22.11.
Variant type: single nucleotide variant.
Coding change: c.2137C>A on transcript NM_001330360.2 (MANE Select); coding-DNA position 2137, C replaced by A.
Protein change: p.His713Asn; replaces histidine 713 with asparagine.
Molecular consequence: missense variant.
Genome position (GRCh38, 1-based): chrX:24,739,471, C>A. VCF-style: chrX-24739471-C-A. GRCh37 (hg19) VCF-style: chrX-24757588-C-A.
Other names: c.2062C>A, p.His688Asn (NM_001378303.1); c.2119C>A, p.His707Asn (NM_016937.4); c.2119C>A (NM_016937.3); short protein forms H688N, H707N, H713N.
Identifiers: ClinVar variation 2894432 (VCV002894432.4), dbSNP rs751837683, ClinGen allele CA10373112.
Genomic context (GRCh38, chrX:24,739,471, plus strand): 5'-GGTCGAATGATCTGTGATGTGGAAATTTCAGCAAAGGAATTGATTCGTTGTAAAAGCTAC[C>A]ATCTGTCTGAACTTGTTCAGCAGATTCTAAAAACTGAAAGGGTTGTAATCCCAATGGAAA-3'
Protein context (NP_001317289.1, residues 703-723): AKELIRCKSY[His713Asn]LSELVQQILK

ClinVar aggregate classification (germline): Likely benign. Review status: criteria provided, multiple submitters, no conflicts (2 of 4 stars). 2 submissions from 2 submitters: Likely benign (2). Last evaluated 2025-12-22.

Conditions:
POLA1-related disorder. Also called: POLA1-related condition.

Allele frequency attached by ClinVar (database versions not stated): TOPMed 0.00001; gnomAD 0.00005; gnomAD exomes 0.00006; ExAC 0.00016; 1000 Genomes Project 30x 0.00021; 1000 Genomes Project 0.00026.
gnomAD v4.1: 69 of 1,191,655 alleles (0.0058%); highest among the groups gnomAD compares: South Asian, 0.11%; no homozygotes.

Submissions (2):

Labcorp Genetics (formerly Invitae), Labcorp
Classification: Likely benign. Last evaluated: 2025-12-22. Review status: criteria provided, single submitter. Criteria: Invitae Variant Classification Sherloc (09022015). Collection method: clinical testing. Allele origin: germline.

PreventionGenetics, part of Exact Sciences
Classification: Likely benign for POLA1-related condition. Last evaluated: 2025-07-24. Review status: criteria provided, single submitter. Criteria: ACMG Guidelines, 2015. Collection method: clinical testing. Allele origin: germline.
Comment: This variant is classified as likely benign based on ACMG/AMP sequence variant interpretation guidelines (Richards et al. 2015 PMID: 25741868, with internal and published modifications).